The following is an entry in ClinVar:

NM_001378454.1(ALMS1):c.4430C>T (p.Ser1477Leu)

Gene: ALMS1 (ALMS1 centrosome and basal body associated protein; plus strand). Cytogenetic location: 2p13.1.
Variant type: single nucleotide variant.
Coding change: c.4430C>T on transcript NM_001378454.1 (MANE Select); coding-DNA position 4430, C replaced by T.
Protein change: p.Ser1477Leu; replaces serine 1477 with leucine.
Molecular consequence: missense variant.
Genome position (GRCh38, 1-based): chr2:73,450,957, C>T. VCF-style: chr2-73450957-C-T. GRCh37 (hg19) VCF-style: chr2-73678084-C-T.
Other names: c.4433C>T, p.Ser1478Leu (NM_015120.4); short protein forms S1478L, S1477L.
Identifiers: ClinVar variation 198875 (VCV000198875.10), dbSNP rs794727926, ClinGen allele CA247735.

ClinVar aggregate classification (germline): Uncertain significance. Review status: criteria provided, multiple submitters, no conflicts (2 of 4 stars). 4 submissions from 4 submitters: Uncertain significance (4). Last evaluated 2022-02-16.

Conditions:
Cardiovascular phenotype. Identifiers: MedGen CN230736.
Alstrom syndrome (ALMS). Identifiers: Orphanet 64, MedGen C0268425, MONDO:0008763, OMIM 203800.

Allele frequency attached by ClinVar (database versions not stated): gnomAD exomes 0.00001; TOPMed 0.00001.
gnomAD v4.1: 9 of 1,614,008 alleles (0.00056%); highest among the groups gnomAD compares: Non-Finnish European, 0.00076%; no homozygotes.

Submissions (4):

Fulgent Genetics
Classification: Uncertain significance for Alstrom syndrome. Last evaluated: 2022-02-16. Review status: criteria provided, single submitter. Criteria: ACMG Guidelines, 2015. Collection method: clinical testing. Allele origin: unknown.

Labcorp Genetics (formerly Invitae), Labcorp
Classification: Uncertain significance for Alstrom syndrome. Last evaluated: 2022-01-18. Review status: criteria provided, single submitter. Criteria: Invitae Variant Classification Sherloc (09022015). Collection method: clinical testing. Allele origin: germline.
Comment: This sequence change replaces serine, which is neutral and polar, with leucine, which is neutral and non-polar, at codon 1478 of the ALMS1 protein (p.Ser1478Leu). This variant is present in population databases (rs794727926, gnomAD 0.002%). This variant has not been reported in the literature in individuals affected with ALMS1-related conditions. ClinVar contains an entry for this variant (Variation ID: 198875). Experimental studies and prediction algorithms are not available or were not evaluated, and the functional significance of this variant is currently unknown. In summary, the available evidence is currently insufficient to determine the role of this variant in disease. Therefore, it has been classified as a Variant of Uncertain Significance.

Ambry Genetics
Classification: Uncertain significance for Cardiovascular phenotype. Last evaluated: 2020-03-24. Review status: criteria provided, single submitter. Criteria: Ambry Variant Classification Scheme 2023. Collection method: clinical testing. Allele origin: germline.
Comment: The p.S1478L variant (also known as c.4433C>T), located in coding exon 8 of the ALMS1 gene, results from a C to T substitution at nucleotide position 4433. The serine at codon 1478 is replaced by leucine, an amino acid with dissimilar properties. This amino acid position is well conserved in available vertebrate species. In addition, this alteration is predicted to be tolerated by in silico analysis. Since supporting evidence is limited at this time, the clinical significance of this alteration remains unclear.

Eurofins Ntd Llc (ga)
Classification: Uncertain significance. Last evaluated: 2015-01-27. Review status: criteria provided, single submitter. Criteria: EGL Classification Definitions 2015. Collection method: clinical testing. Allele origin: germline.